The following is an entry in ClinVar:

ClinVar aggregate classification (germline): Uncertain significance (1 of 4 stars; one submission).

Allele frequency attached by ClinVar (database versions not stated): TOPMed below 0.00001.

Submission:

Labcorp Genetics (formerly Invitae), Labcorp
Classification: Uncertain significance. Last evaluated: 2022-11-15. Review status: criteria provided, single submitter. Criteria: Invitae Variant Classification Sherloc (09022015). Collection method: clinical testing. Allele origin: germline.
Comment: This variant is not present in population databases (gnomAD no frequency). This sequence change replaces isoleucine, which is neutral and non-polar, with methionine, which is neutral and non-polar, at codon 187 of the SRP54 protein (p.Ile187Met). In summary, the available evidence is currently insufficient to determine the role of this variant in disease. Therefore, it has been classified as a Variant of Uncertain Significance. Advanced modeling of protein sequence and biophysical properties (such as structural, functional, and spatial information, amino acid conservation, physicochemical variation, residue mobility, and thermodynamic stability) performed at Invitae indicates that this missense variant is expected to disrupt SRP54 protein function. This variant has not been reported in the literature in individuals affected with SRP54-related conditions.

NM_003136.4(SRP54):c.561T>G (p.Ile187Met)

Gene: SRP54 (signal recognition particle 54; plus strand). Cytogenetic location: 14q13.2.
Variant type: single nucleotide variant.
Coding change: c.561T>G on transcript NM_003136.4 (MANE Select); coding-DNA position 561, T replaced by G.
Protein change: p.Ile187Met; replaces isoleucine 187 with methionine.
Molecular consequence: missense variant.
Genome position (GRCh38, 1-based): chr14:35,011,584, T>G. VCF-style: chr14-35011584-T-G. GRCh37 (hg19) VCF-style: chr14-35480790-T-G.
Other names: c.561T>G, p.Ile187Met (NM_001411017.1); c.414T>G, p.Ile138Met (NM_001146282.2); short protein forms I138M, I187M.
Identifiers: ClinVar variation 2996807 (VCV002996807.3), dbSNP rs2044358888, ClinGen allele CA389441386.